The following is an entry in ClinVar:

ClinVar aggregate classification (germline): Likely benign (1 of 4 stars; one submission).

Allele frequency attached by ClinVar (database versions not stated): TOPMed below 0.00001; gnomAD 0.00001; ExAC 0.00006.
gnomAD v4.1: 50 of 1,613,970 alleles (0.0031%); highest among the groups gnomAD compares: South Asian, 0.053%; no homozygotes.

Submission:

CeGaT Center for Human Genetics Tuebingen
Classification: Likely benign. Last evaluated: 2022-12-01. Review status: criteria provided, single submitter. Criteria: CeGaT Center For Human Genetics Tuebingen Variant Classification Criteria Version 2. Collection method: clinical testing. Allele origin: germline. Affected: yes. Observed: 1 variant allele.
Comment: RP1L1: BP4

NM_178857.6(RP1L1):c.5185G>A (p.Gly1729Arg)

Gene: RP1L1 (RP1 like 1). Cytogenetic location: 8p23.1.
Variant type: single nucleotide variant.
Coding change: c.5185G>A on transcript NM_178857.6 (MANE Select); coding-DNA position 5185, G replaced by A.
Protein change: p.Gly1729Arg; replaces glycine 1729 with arginine.
Molecular consequence: missense variant.
Genome position (GRCh38, 1-based): chr8:10,608,913, C>T on the plus strand (G>A on the coding strand, the complement: RP1L1 is on the minus strand). VCF-style: chr8-10608913-C-T. GRCh37 (hg19) VCF-style: chr8-10466423-C-T.
Other names: short protein forms G1729R.
Identifiers: ClinVar variation 2658387 (VCV002658387.24), dbSNP rs781148477, ClinGen allele CA4623741.